The following is an entry in ClinVar:

ClinVar aggregate classification (germline): Uncertain significance (1 of 4 stars; one submission).

gnomAD v4.1: 1 of 1,614,194 alleles (0.000062%); no homozygotes.

Submission:

Labcorp Genetics (formerly Invitae), Labcorp
Classification: Uncertain significance. Last evaluated: 2023-08-04. Review status: criteria provided, single submitter. Criteria: Invitae Variant Classification Sherloc (09022015). Collection method: clinical testing. Allele origin: germline.
Comment: An algorithm developed to predict the effect of missense changes on protein structure and function (PolyPhen-2) suggests that this variant is likely to be disruptive. This sequence change replaces glycine, which is neutral and non-polar, with valine, which is neutral and non-polar, at codon 134 of the TCF20 protein (p.Gly134Val). This variant is present in population databases (rs758402100, gnomAD 0.0009%). This variant has not been reported in the literature in individuals affected with TCF20-related conditions. In summary, the available evidence is currently insufficient to determine the role of this variant in disease. Therefore, it has been classified as a Variant of Uncertain Significance.

NM_001378418.1(TCF20):c.401G>T (p.Gly134Val)

Gene: TCF20 (transcription factor 20; minus strand). Cytogenetic location: 22q13.2.
Variant type: single nucleotide variant.
Coding change: c.401G>T on transcript NM_001378418.1 (MANE Select); coding-DNA position 401, G replaced by T.
Protein change: p.Gly134Val; replaces glycine 134 with valine.
Molecular consequence: missense variant.
Genome position (GRCh38, 1-based): chr22:42,214,905, C>A on the plus strand (G>T on the coding strand, the complement: TCF20 is on the minus strand). VCF-style: chr22-42214905-C-A. GRCh37 (hg19) VCF-style: chr22-42610911-C-A.
Other names: c.401G>T, p.Gly134Val (NM_005650.4, NM_181492.3); short protein forms G134V.
Identifiers: ClinVar variation 2750163 (VCV002750163.3), dbSNP rs758402100, ClinGen allele CA10267364.